The following is an entry in ClinVar:

ClinVar aggregate classification (germline): Uncertain significance (1 of 4 stars; one submission).

Conditions:
CHARGE syndrome (CHARGE). Also called: Hittner Hirsch Kreh syndrome; CHARGE ASSOCIATION--COLOBOMA, HEART ANOMALY, CHOANAL ATRESIA, RETARDATION, GENITAL AND EAR ANOMALIES; Coloboma, heart anomaly, choanal atresia, retardation, genital and ear anomalies; CHARGE association; Hall-Hittner syndrome. Identifiers: Orphanet 138, MedGen C0265354, MONDO:0008965.

Submission:

Labcorp Genetics (formerly Invitae), Labcorp
Classification: Uncertain significance for CHARGE syndrome. Last evaluated: 2022-09-22. Review status: criteria provided, single submitter. Criteria: Invitae Variant Classification Sherloc (09022015). Collection method: clinical testing. Allele origin: germline.
Comment: In summary, the available evidence is currently insufficient to determine the role of this variant in disease. Therefore, it has been classified as a Variant of Uncertain Significance. This variant has not been reported in the literature in individuals affected with SEMA3E-related conditions. This variant results in a copy number gain of the genomic region encompassing exon(s) 17 of the SEMA3E gene. This region includes the termination codon of the gene. This copy number gain extends beyond the assayed region for this gene and therefore may encompass additional genes. As the precise location of this event is unknown, it may be in tandem or it may be located elsewhere in the genome.

NC_000007.13:g.(?_82996902)_(82997374_?)dup

Gene: SEMA3E (semaphorin 3E; minus strand). Cytogenetic location: 7q21.11.
Variant type: Duplication.
Identifiers: ClinVar variation 2425808 (VCV002425808.4).